The following is an entry in ClinVar:

ClinVar aggregate classification (germline): Uncertain significance (1 of 4 stars; one submission).

Conditions:
Hereditary cancer-predisposing syndrome. Also called: Neoplastic Syndromes, Hereditary; Hereditary Cancer Syndrome; Tumor predisposition; Hereditary neoplastic syndrome. Identifiers: Orphanet 140162, MedGen C0027672, MeSH D009386, MONDO:0015356.

Allele frequency attached by ClinVar (database versions not stated): gnomAD exomes below 0.00001.
gnomAD v4.1: 1 of 1,614,122 alleles (0.000062%); highest among the groups gnomAD compares: Non-Finnish European, 0.000085%; no homozygotes.

Submission:

Ambry Genetics
Classification: Uncertain significance for Hereditary cancer-predisposing syndrome. Last evaluated: 2022-12-21. Review status: criteria provided, single submitter. Criteria: Ambry Variant Classification Scheme 2023. Collection method: clinical testing. Allele origin: germline.
Comment: The p.H921Q variant (also known as c.2763C>A), located in coding exon 19 of the TSC1 gene, results from a C to A substitution at nucleotide position 2763. The histidine at codon 921 is replaced by glutamine, an amino acid with highly similar properties. This amino acid position is conserved. In addition, the in silico prediction for this alteration is inconclusive. Since supporting evidence is limited at this time, the clinical significance of this alteration remains unclear.

NM_000368.5(TSC1):c.2763C>A (p.His921Gln)

Gene: TSC1 (TSC complex subunit 1; minus strand). Cytogenetic location: 9q34.13.
Variant type: single nucleotide variant.
Coding change: c.2763C>A on transcript NM_000368.5 (MANE Select); coding-DNA position 2763, C replaced by A.
Protein change: p.His921Gln; replaces histidine 921 with glutamine.
Molecular consequence: missense variant. On other transcripts: non-coding transcript variant (5).
Genome position (GRCh38, 1-based): chr9:132,897,473, G>T on the plus strand (C>A on the coding strand, the complement: TSC1 is on the minus strand). VCF-style: chr9-132897473-G-T. GRCh37 (hg19) VCF-style: chr9-135772860-G-T.
Other names: c.2760C>A, p.His920Gln (NM_001162426.2, NM_001406597.1, NM_001406598.1 and 2 more transcripts); c.2610C>A, p.His870Gln (NM_001162427.2, NM_001406610.1); c.2400C>A, p.His800Gln (NM_001362177.2, NM_001406614.1, NM_001406615.1 and 4 more transcripts); c.2763C>A, p.His921Gln (NM_001406592.1, NM_001406593.1, NM_001406594.1 and 2 more transcripts); c.2748C>A, p.His916Gln (NM_001406601.1, NM_001406602.1); c.2745C>A, p.His915Gln (NM_001406603.1, NM_001406604.1); c.2721C>A, p.His907Gln (NM_001406605.1, NM_001406606.1, NM_001406607.1); c.2718C>A, p.His906Gln (NM_001406608.1, NM_001406609.1); and 8 more; short protein forms H907Q, H915Q, H916Q, H570Q, H603Q, H786Q, H869Q, H604Q.
Identifiers: ClinVar variation 2447876 (VCV002447876.2), dbSNP rs2131632348, ClinGen allele CA375369189.